The following is an entry in ClinVar:

ClinVar aggregate classification (germline): Uncertain significance (1 of 4 stars; one submission).

Allele frequency attached by ClinVar (database versions not stated): gnomAD 0.00001.

Submission:

Labcorp Genetics (formerly Invitae), Labcorp
Classification: Uncertain significance. Last evaluated: 2023-12-06. Review status: criteria provided, single submitter. Criteria: Invitae Variant Classification Sherloc (09022015). Collection method: clinical testing. Allele origin: germline.
Comment: This sequence change replaces serine, which is neutral and polar, with cysteine, which is neutral and slightly polar, at codon 141 of the ZSWIM6 protein (p.Ser141Cys). The frequency data for this variant in the population databases is considered unreliable, as metrics indicate insufficient coverage at this position in the gnomAD database. This variant has not been reported in the literature in individuals affected with ZSWIM6-related conditions. ClinVar contains an entry for this variant (Variation ID: 1375400). Experimental studies and prediction algorithms are not available or were not evaluated, and the functional significance of this variant is currently unknown. In summary, the available evidence is currently insufficient to determine the role of this variant in disease. Therefore, it has been classified as a Variant of Uncertain Significance.

NM_020928.2(ZSWIM6):c.421A>T (p.Ser141Cys)

Gene: ZSWIM6 (zinc finger SWIM-type containing 6; plus strand). Cytogenetic location: 5q12.1.
Variant type: single nucleotide variant.
Coding change: c.421A>T on transcript NM_020928.2 (MANE Select); coding-DNA position 421, A replaced by T.
Protein change: p.Ser141Cys; replaces serine 141 with cysteine.
Molecular consequence: missense variant.
Genome position (GRCh38, 1-based): chr5:61,332,693, A>T. VCF-style: chr5-61332693-A-T. GRCh37 (hg19) VCF-style: chr5-60628520-A-T.
Other names: short protein forms S141C.
Identifiers: ClinVar variation 1375400 (VCV001375400.6), dbSNP rs1327267898, ClinGen allele CA359940680.